The following is an entry in ClinVar:

NM_005862.3(STAG1):c.2911C>T (p.Arg971Ter)

Gene: STAG1 (STAG1 cohesin complex component; minus strand). Cytogenetic location: 3q22.3.
Variant type: single nucleotide variant.
Coding change: c.2911C>T on transcript NM_005862.3 (MANE Select); coding-DNA position 2911, C replaced by T.
Protein change: p.Arg971Ter; replaces arginine 971 with a stop codon.
Molecular consequence: nonsense.
Genome position (GRCh38, 1-based): chr3:136,359,173, G>A on the plus strand (C>T on the coding strand, the complement: STAG1 is on the minus strand). VCF-style: chr3-136359173-G-A. GRCh37 (hg19) VCF-style: chr3-136078015-G-A.
Other names: short protein forms R971*.
Identifiers: ClinVar variation 3769899 (VCV003769899.3).

ClinVar aggregate classification (germline): Pathogenic/Likely pathogenic. Review status: criteria provided, multiple submitters, no conflicts (2 of 4 stars). 2 submissions from 2 submitters: Pathogenic (1); Likely pathogenic (1). Last evaluated 2024-09-16.

gnomAD v4.1: 1 of 1,611,552 alleles (0.000062%); highest among the groups gnomAD compares: Non-Finnish European, 0.000085%; no homozygotes.

Submissions (2):

GeneDx
Classification: Pathogenic. Last evaluated: 2024-09-16. Review status: criteria provided, single submitter. Criteria: GeneDx Variant Classification Process June 2021. Collection method: clinical testing. Allele origin: germline. Affected: yes.
Comment: Nonsense variant predicted to result in protein truncation or nonsense mediated decay in a gene for which loss of function is a known mechanism of disease; Has not been previously published as pathogenic or benign to our knowledge

Dasa
Classification: Likely pathogenic. Last evaluated: 2024-07-30. Review status: criteria provided, single submitter. Criteria: DASA Assertion Criteria. Collection method: clinical testing. Allele origin: germline.
Comment: NM_005862.3(STAG1):c.2911C>T (p.Arg971*) is a nonsense variant in STAG1 predicted to introduce a premature termination codon and is predicted to result in an absent or altered protein product. Loss of function is an established disease mechanism for STAG1 (PMID: 28119487; PMID: 30158690; PMID: 34440290). Also, this variant is rare in population databases. Based on the currently available evidence, this variant is classified as likely pathogenic.

Literature cited by the submitters: PubMed 28119487 (cited by Dasa); PubMed 30158690 (cited by Dasa); PubMed 34440290 (cited by Dasa).